The following is an entry in ClinVar:

NM_017541.4(CRYGS):c.305G>A (p.Gly102Glu)

Gene: CRYGS (crystallin gamma S; minus strand). Cytogenetic location: 3q27.3.
Variant type: single nucleotide variant.
Coding change: c.305G>A on transcript NM_017541.4 (MANE Select); coding-DNA position 305, G replaced by A.
Protein change: p.Gly102Glu; replaces glycine 102 with glutamic acid.
Molecular consequence: missense variant.
Genome position (GRCh38, 1-based): chr3:186,538,928, C>T on the plus strand (G>A on the coding strand, the complement: CRYGS is on the minus strand). VCF-style: chr3-186538928-C-T. GRCh37 (hg19) VCF-style: chr3-186256717-C-T.
Other names: short protein forms G102E.
Identifiers: ClinVar variation 2498946 (VCV002498946.31), dbSNP rs144124671, ClinGen allele CA2743868.
Genomic context (GRCh38, chr3:186,538,928, plus strand): 5'-AATTGCTCCATGATGGAAGGGCAATCTTCGGTGGTTTCATACATCTGACCACTAAAATCC[C>T]CTTTCTCAAAGATCTGAATCTTATACTGGCCTCCACTAGGCTGAAAAGACACAGGAGAAA-3'
Protein context (NP_060011.1, residues 92-112): GQYKIQIFEK[Gly102Glu]DFSGQMYETT

ClinVar aggregate classification (germline): Likely benign. Review status: criteria provided, multiple submitters, no conflicts (2 of 4 stars). 2 submissions from 2 submitters: Likely benign (2). Last evaluated 2025-07-24.

Conditions:
Cataract 20 multiple types (CTRCT20). Also called: Membranous cataract. Identifiers: Orphanet 91492, MedGen C0524524, MONDO:0007284, OMIM 116100, HP:0010922.

Allele frequency attached by ClinVar (database versions not stated): 1000 Genomes Project 30x 0.00016; 1000 Genomes Project 0.00020; gnomAD exomes 0.00032; ExAC 0.00037; gnomAD 0.00039; TOPMed 0.00041; ESP Exome Variant Server 0.00062.
gnomAD v4.1: 542 of 1,614,088 alleles (0.034%); highest among the groups gnomAD compares: Middle Eastern, 0.18%; 5 homozygotes.

Submissions (2):

Labcorp Genetics (formerly Invitae), Labcorp
Classification: Likely benign for Cataract 20 multiple types. Last evaluated: 2025-07-24. Review status: criteria provided, single submitter. Criteria: Invitae Variant Classification Sherloc (09022015). Collection method: clinical testing. Allele origin: germline.

CeGaT Center for Human Genetics Tuebingen
Classification: Likely benign. Last evaluated: 2023-03-01. Review status: criteria provided, single submitter. Criteria: CeGaT Center For Human Genetics Tuebingen Variant Classification Criteria Version 2. Collection method: clinical testing. Allele origin: germline. Affected: yes. Observed: 1 variant allele.
Comment: CRYGS: BP4, BS1